The following is an entry in ClinVar:

NM_024301.5(FKRP):c.1221C>G (p.Tyr407Ter)

Gene: FKRP (fukutin related protein; plus strand). Cytogenetic location: 19q13.32.
Variant type: single nucleotide variant.
Coding change: c.1221C>G on transcript NM_024301.5 (MANE Select); coding-DNA position 1221, C replaced by G.
Protein change: p.Tyr407Ter; replaces tyrosine 407 with a stop codon.
Molecular consequence: nonsense.
Genome position (GRCh38, 1-based): chr19:46,756,671, C>G. VCF-style: chr19-46756671-C-G. GRCh37 (hg19) VCF-style: chr19-47259928-C-G.
Other names: c.1221C>G, p.Tyr407Ter (NM_001039885.3); short protein forms Y407*.
Identifiers: ClinVar variation 2173270 (VCV002173270.4), dbSNP rs1462094685, ClinGen allele CA406496902.

ClinVar aggregate classification (germline): Pathogenic (1 of 4 stars; one submission).

Conditions:
Walker-Warburg congenital muscular dystrophy. Also called: Muscular dystrophy-dystroglycanopathy, type A; Walker-Warburg syndrome. Identifiers: Orphanet 899, MedGen C0265221, MONDO:0000171.

Submission:

Labcorp Genetics (formerly Invitae), Labcorp
Classification: Pathogenic for Walker-Warburg congenital muscular dystrophy. Last evaluated: 2022-08-22. Review status: criteria provided, single submitter. Criteria: Invitae Variant Classification Sherloc (09022015). Collection method: clinical testing. Allele origin: germline.
Comment: For these reasons, this variant has been classified as Pathogenic. This sequence change creates a premature translational stop signal (p.Tyr407*) in the FKRP gene. While this is not anticipated to result in nonsense mediated decay, it is expected to disrupt the last 89 amino acid(s) of the FKRP protein. This variant is not present in population databases (gnomAD no frequency). This variant has not been reported in the literature in individuals affected with FKRP-related conditions. This variant disrupts a region of the FKRP protein in which other variant(s) (p.Ile478Thr) have been determined to be pathogenic (PMID: 16476814, 18639457, 19299310). This suggests that this is a clinically significant region of the protein, and that variants that disrupt it are likely to be disease-causing.

Literature cited by the submitters: PubMed 16476814; PubMed 18639457; PubMed 19299310.